The following is an entry in ClinVar:

NM_000264.5(PTCH1):c.3493C>G (p.Leu1165Val)

Gene: PTCH1 (patched 1; minus strand). Cytogenetic location: 9q22.32.
Variant type: single nucleotide variant.
Coding change: c.3493C>G on transcript NM_000264.5 (MANE Select); coding-DNA position 3493, C replaced by G.
Protein change: p.Leu1165Val; replaces leucine 1165 with valine.
Molecular consequence: missense variant. On other transcripts: non-coding transcript variant (1).
Genome position (GRCh38, 1-based): chr9:95,449,897, G>C on the plus strand (C>G on the coding strand, the complement: PTCH1 is on the minus strand). VCF-style: chr9-95449897-G-C. GRCh37 (hg19) VCF-style: chr9-98212179-G-C.
Other names: c.3040C>G, p.Leu1014Val (NM_001083607.3, NM_001083605.3, NM_001083606.3 and 1 more transcripts); c.3337C>G, p.Leu1113Val (NM_001354918.2); c.3295C>G, p.Leu1099Val (NM_001083602.3); c.3490C>G, p.Leu1164Val (NM_001083603.3); short protein forms L1164V, L1165V, L1099V, L1113V, L1014V.
Identifiers: ClinVar variation 1731963 (VCV001731963.2), dbSNP rs2538021178, ClinGen allele CA374111550.
Genomic context (GRCh38, chr9:95,449,897, plus strand): 5'-TGACCTCAGGATATGGTCCAAAGAAAGACAAAAGCACGGGAAGCAAAACCAGCCCATTGA[G>C]AACGCCGAGGATGGTGAGGATCGCCAGCACAGCAAAGAAATACCTGGGAGATCAAGAGGA-3'
Protein context (NP_000255.2, residues 1155-1175): VLAILTILGV[Leu1165Val]NGLVLLPVLL

ClinVar aggregate classification (germline): Uncertain significance (1 of 4 stars; one submission).

Conditions:
Hereditary cancer-predisposing syndrome. Also called: Neoplastic Syndromes, Hereditary; Tumor predisposition; Hereditary Cancer Syndrome; Hereditary neoplastic syndrome. Identifiers: Orphanet 140162, MedGen C0027672, MeSH D009386, MONDO:0015356.

Allele frequency attached by ClinVar (database versions not stated): gnomAD exomes below 0.00001.
gnomAD v4.1: 1 of 1,614,182 alleles (0.000062%); highest among the groups gnomAD compares: Non-Finnish European, 0.000085%; no homozygotes.

Submission:

Ambry Genetics
Classification: Uncertain significance for Hereditary cancer-predisposing syndrome. Last evaluated: 2022-08-09. Review status: criteria provided, single submitter. Criteria: Ambry Variant Classification Scheme 2023. Collection method: clinical testing. Allele origin: germline.
Comment: The p.L1165V variant (also known as c.3493C>G), located in coding exon 21 of the PTCH1 gene, results from a C to G substitution at nucleotide position 3493. The leucine at codon 1165 is replaced by valine, an amino acid with highly similar properties. This amino acid position is conserved. In addition, this alteration is predicted to be deleterious by in silico analysis. Since supporting evidence is limited at this time, the clinical significance of this alteration remains unclear.